The following is an entry in ClinVar:

ClinVar aggregate classification (germline): Uncertain significance (1 of 4 stars; one submission).

gnomAD v4.1: 1 of 1,614,158 alleles (0.000062%); highest among the groups gnomAD compares: African/African-American, 0.0013%; no homozygotes.

Submission:

Labcorp Genetics (formerly Invitae), Labcorp
Classification: Uncertain significance. Last evaluated: 2024-05-22. Review status: criteria provided, single submitter. Criteria: Invitae Variant Classification Sherloc (09022015). Collection method: clinical testing. Allele origin: germline.
Comment: This sequence change replaces isoleucine, which is neutral and non-polar, with asparagine, which is neutral and polar, at codon 314 of the OPN1SW protein (p.Ile314Asn). This variant is present in population databases (rs201497890, gnomAD 0.007%). This variant has not been reported in the literature in individuals affected with OPN1SW-related conditions. ClinVar contains an entry for this variant (Variation ID: 1485779). An algorithm developed to predict the effect of missense changes on protein structure and function (PolyPhen-2) suggests that this variant is likely to be disruptive. In summary, the available evidence is currently insufficient to determine the role of this variant in disease. Therefore, it has been classified as a Variant of Uncertain Significance.

NM_001385125.1(OPN1SW):c.932T>A (p.Ile311Asn)

Genes: CALU (calumenin; plus strand), OPN1SW (opsin 1, short wave sensitive; minus strand). Cytogenetic location: 7q32.1.
Variant type: single nucleotide variant.
Coding change: c.932T>A on transcript NM_001385125.1 (MANE Select); coding-DNA position 932, T replaced by A.
Protein change: p.Ile311Asn; replaces isoleucine 311 with asparagine.
Molecular consequence: missense variant. On other transcripts: 3 prime UTR variant (5), non-coding transcript variant (1).
Genome position (GRCh38, 1-based): chr7:128,772,646, A>T on the plus strand (T>A on the coding strand, the complement: OPN1SW is on the minus strand). VCF-style: chr7-128772646-A-T. GRCh37 (hg19) VCF-style: chr7-128412700-A-T.
Other names: c.*3479A>T (NM_001130674.3, NM_001199671.2, NM_001199672.2 and 1 more transcripts); c.*3552A>T (NM_001199673.2); short protein forms I311N.
Identifiers: ClinVar variation 1485779 (VCV001485779.8), dbSNP rs201497890, ClinGen allele CA4472778.